The following is an entry in ClinVar:

NM_001365999.1(SZT2):c.6519C>G (p.Ile2173Met)

Gene: SZT2 (SZT2 subunit of KICSTOR complex; plus strand). Cytogenetic location: 1p34.2.
Variant type: single nucleotide variant.
Coding change: c.6519C>G on transcript NM_001365999.1 (MANE Select); coding-DNA position 6519, C replaced by G.
Protein change: p.Ile2173Met; replaces isoleucine 2173 with methionine.
Molecular consequence: missense variant.
Genome position (GRCh38, 1-based): chr1:43,438,709, C>G. VCF-style: chr1-43438709-C-G. GRCh37 (hg19) VCF-style: chr1-43904380-C-G.
Other names: c.6348C>G, p.Ile2116Met (NM_015284.4); short protein forms I2116M, I2173M.
Identifiers: ClinVar variation 2012378 (VCV002012378.4), dbSNP rs1476708360, ClinGen allele CA340030677.

ClinVar aggregate classification (germline): Uncertain significance (1 of 4 stars; one submission).

Allele frequency attached by ClinVar (database versions not stated): TOPMed below 0.00001.

Submission:

Labcorp Genetics (formerly Invitae), Labcorp
Classification: Uncertain significance. Last evaluated: 2022-06-29. Review status: criteria provided, single submitter. Criteria: Invitae Variant Classification Sherloc (09022015). Collection method: clinical testing. Allele origin: germline.
Comment: Algorithms developed to predict the effect of missense changes on protein structure and function are either unavailable or do not agree on the potential impact of this missense change (SIFT: "Deleterious"; PolyPhen-2: "Probably Damaging"; Align-GVGD: "Class C0"). In summary, the available evidence is currently insufficient to determine the role of this variant in disease. Therefore, it has been classified as a Variant of Uncertain Significance. This variant has not been reported in the literature in individuals affected with SZT2-related conditions. This variant is not present in population databases (gnomAD no frequency). This sequence change replaces isoleucine, which is neutral and non-polar, with methionine, which is neutral and non-polar, at codon 2116 of the SZT2 protein (p.Ile2116Met).